The following is an entry in ClinVar:

ClinVar aggregate classification (germline): Uncertain significance (1 of 4 stars; one submission).

Conditions:
Intellectual developmental disorder, autosomal dominant 51. Also called: MENTAL RETARDATION, AUTOSOMAL DOMINANT 51; Intellectual disability, autosomal dominant 51. Identifiers: Orphanet 684226, MedGen C4540474, MONDO:0030917, OMIM 617788.

Allele frequency attached by ClinVar (database versions not stated): TOPMed 0.00003; gnomAD 0.00006; gnomAD exomes below 0.00001.
gnomAD v4.1: 11 of 1,586,000 alleles (0.00069%); highest among the groups gnomAD compares: African/African-American, 0.014%; no homozygotes.

Submission:

Foundation for Research in Genetics and Endocrinology, FRIGE's Institute of Human Genetics
Classification: Uncertain significance for Intellectual developmental disorder, autosomal dominant 51. Last evaluated: 2022-11-26. Review status: criteria provided, single submitter. Criteria: ACMG Guidelines, 2015. Collection method: clinical testing. Allele origin: germline. Inheritance: Autosomal dominant inheritance. Affected: yes. Observed: 1 heterozygote.
Comment: A heterozygous missense variation in exon 6 of the KMT5B gene that results in the amino acid substitution of Valine for Isoleucine at codon 184 (p.Ile184Val) was detected. This variant has not been reported in the 1000 genomes and gnomAD database. The in silico predictions of the variant are possibly damaging by PolyPhen-2 (HumDiv) and damaging by LRT. The reference codon is conserved across species. In summary, the variant meets our criteria to be classified as a variant of uncertain significance.

NM_017635.5(KMT5B):c.550A>G (p.Ile184Val)

Gene: KMT5B (lysine methyltransferase 5B; minus strand). Cytogenetic location: 11q13.2.
Variant type: single nucleotide variant.
Coding change: c.550A>G on transcript NM_017635.5 (MANE Select); coding-DNA position 550, A replaced by G.
Protein change: p.Ile184Val; replaces isoleucine 184 with valine.
Molecular consequence: missense variant. On other transcripts: non-coding transcript variant (3), 5 prime UTR variant (1).
Genome position (GRCh38, 1-based): chr11:68,173,907, T>C on the plus strand (A>G on the coding strand, the complement: KMT5B is on the minus strand). VCF-style: chr11-68173907-T-C. GRCh37 (hg19) VCF-style: chr11-67941374-T-C.
Other names: p.Ile184Val; c.34A>G, p.Ile12Val (NM_001369431.1, NM_001369432.1, NM_001369433.1 and 5 more transcripts); c.550A>G, p.Ile184Val (NM_016028.4, NM_001363566.2, NM_001369426.1 and 1 more transcripts); c.-118A>G (NM_001300908.2); c.481A>G, p.Ile161Val (NM_001300909.2); c.337A>G, p.Ile113Val (NM_001369425.1); short protein forms I113V, I12V, I161V, I184V.
Identifiers: ClinVar variation 1803795 (VCV001803795.2), dbSNP rs1218219121, ClinGen allele CA381605754.